The following is an entry in ClinVar:

NM_000036.3(AMPD1):c.2072G>C (p.Gly691Ala)

Gene: AMPD1 (adenosine monophosphate deaminase 1; minus strand). Cytogenetic location: 1p13.2.
Variant type: single nucleotide variant.
Coding change: c.2072G>C on transcript NM_000036.3 (MANE Select); coding-DNA position 2072, G replaced by C.
Protein change: p.Gly691Ala; replaces glycine 691 with alanine.
Molecular consequence: missense variant.
Genome position (GRCh38, 1-based): chr1:114,673,652, C>G on the plus strand (G>C on the coding strand, the complement: AMPD1 is on the minus strand). VCF-style: chr1-114673652-C-G. GRCh37 (hg19) VCF-style: chr1-115216273-C-G.
Other names: c.2060G>C, p.Gly687Ala (NM_001172626.2); short protein forms G687A, G691A.
Identifiers: ClinVar variation 4687660 (VCV004687660.1).

ClinVar aggregate classification (germline): Uncertain significance (1 of 4 stars; one submission).

gnomAD v4.1: 1 of 1,613,676 alleles (0.000062%); highest among the groups gnomAD compares: Non-Finnish European, 0.000085%; no homozygotes.

Submission:

Women's Health and Genetics/Laboratory Corporation of America, LabCorp
Classification: Uncertain significance. Last evaluated: 2025-10-29. Review status: criteria provided, single submitter. Criteria: LabCorp Variant Classification Summary - May 2015. Collection method: clinical testing. Allele origin: germline.
Comment: Variant summary: AMPD1 c.2072G>C (p.Gly691Ala) results in a non-conservative amino acid change in the encoded protein sequence. Algorithms developed to predict the effect of missense changes on protein structure and function all suggest that this variant is likely to be disruptive. The variant was absent in 251232 control chromosomes. The available data on variant occurrences in the general population are insufficient to allow any conclusion about variant significance. To our knowledge, no occurrence of c.2072G>C in individuals affected with AMPD1-related conditions and no experimental evidence demonstrating its impact on protein function have been reported. No submitters have cited clinical-significance assessments for this variant to ClinVar. Based on the evidence outlined above, the variant was classified as uncertain significance.